The following is an entry in ClinVar:

ClinVar aggregate classification (germline): Likely pathogenic (1 of 4 stars; one submission).

Conditions:
Autosomal recessive limb-girdle muscular dystrophy type 2J (LGMDR10). Also called: Limb-girdle muscular dystrophy, type 2J; MUSCULAR DYSTROPHY, LIMB-GIRDLE, AUTOSOMAL RECESSIVE 10. Identifiers: Orphanet 140922, MedGen C1837342, MONDO:0012127, OMIM 608807.
Dilated cardiomyopathy 1G (CMD1G). Identifiers: Orphanet 154, MedGen C1858763, MONDO:0011400, OMIM 604145.

Submission:

Labcorp Genetics (formerly Invitae), Labcorp
Classification: Likely pathogenic for Dilated cardiomyopathy 1G; Autosomal recessive limb-girdle muscular dystrophy type 2J. Last evaluated: 2025-06-22. Review status: criteria provided, single submitter. Criteria: Invitae Variant Classification Sherloc (09022015). Collection method: clinical testing. Allele origin: germline.
Comment: This sequence change creates a premature translational stop signal (p.Val22582Serfs*13) in the TTN gene. While this is not anticipated to result in nonsense mediated decay, it is expected to create a truncated TTN protein. This variant is not present in population databases (gnomAD no frequency). This premature translational stop signal has been observed in individual(s) with clinical features of dilated cardiomyopathy (internal data). This variant is located in the A band of TTN (PMID: 25589632). Truncating variants in this region are significantly overrepresented in patients affected with dilated cardiomyopathy (PMID: 25589632). Truncating variants in this region have also been reported in individuals affected with autosomal recessive centronuclear myopathy (PMID: 23975875). In summary, the currently available evidence indicates that the variant is pathogenic, but additional data are needed to prove that conclusively. Therefore, this variant has been classified as Likely Pathogenic.

Literature cited by the submitters: PubMed 25589632; PubMed 23975875.

NM_001267550.2(TTN):c.67742dup (p.Val22582fs)

Genes: TTN (titin; minus strand), TTN-AS1 (TTN antisense RNA 1; plus strand), LOC126806423 (CDK7 strongly-dependent group 2 enhancer GRCh37_chr2:179443309-179444508; plus strand). Cytogenetic location: 2q31.2.
Variant type: Duplication.
Coding change: c.67742dup on transcript NM_001267550.2 (MANE Select); coding-DNA position 67742, one base duplicated (C; older notation c.67742dupC).
Protein change: p.Val22582fs; shifts the reading frame from valine 22582.
Molecular consequence: frameshift variant.
Genome position (GRCh38, 1-based): chr2:178,579,288, G duplicated on the plus strand (C on the coding strand, the reverse complement: TTN is on the minus strand). VCF-style (leftmost placement, unchanged base first): chr2-178579287-T-TG. GRCh37 (hg19) VCF-style: chr2-179444014-T-TG.
Other names: c.62819dup, p.Val20941fs (NM_001256850.1); c.40547dup, p.Val13517fs (NM_003319.4); c.60038dup, p.Val20014fs (NM_133378.4); c.40922dup, p.Val13642fs (NM_133432.3); c.41123dup, p.Val13709fs (NM_133437.4); short protein forms V13709fs, V22582fs, V13517fs, V13642fs, V20014fs, V20941fs.
Identifiers: ClinVar variation 4785362 (VCV004785362.1).